The following is an entry in ClinVar:

NM_001281747.2(MLIP):c.69A>T (p.Leu23Phe)

Gene: MLIP (muscular LMNA interacting protein; plus strand). Cytogenetic location: 6p12.1.
Variant type: single nucleotide variant.
Coding change: c.69A>T on transcript NM_001281747.2 (MANE Select); coding-DNA position 69, A replaced by T.
Protein change: p.Leu23Phe; replaces leucine 23 with phenylalanine.
Molecular consequence: missense variant. On other transcripts: intron variant (2).
Genome position (GRCh38, 1-based): chr6:54,111,548, A>T. VCF-style: chr6-54111548-A-T. GRCh37 (hg19) VCF-style: chr6-53976346-A-T.
Other names: c.64-9899A>T (NM_138569.3, NM_001281746.2); short protein forms L23F.
Identifiers: ClinVar variation 4821975 (VCV004821975.4).

ClinVar aggregate classification (germline): Uncertain significance (1 of 4 stars; one submission).

gnomAD v4.1: 1 of 1,536,064 alleles (0.000065%); highest among the groups gnomAD compares: Non-Finnish European, 0.000087%; no homozygotes.

Submission:

CeGaT Center for Human Genetics Tuebingen
Classification: Uncertain significance. Last evaluated: 2026-03-01. Review status: criteria provided, single submitter. Criteria: CeGaT Center For Human Genetics Tuebingen Variant Classification Criteria Version 2. Collection method: clinical testing. Allele origin: germline. Affected: yes. Observed: 1 variant allele.
Comment: MLIP: PM2, BP4